The following is an entry in ClinVar:

ClinVar aggregate classification (germline): Likely benign (1 of 4 stars; one submission).

Conditions:
Congenital hyperammonemia, type I. Also called: CPS I DEFICIENCY; Carbamoyl phosphate synthetase 1 deficiency; Hyperammonemia due to carbamoyl phosphate synthetase 1 deficiency; CPS 1 deficiency; Carbamyl phosphate synthetase (CPS) deficiency; Carbamoyl phosphate synthetase I deficiency disease. Identifiers: Orphanet 147, MedGen C4082171, MONDO:0009376, OMIM 237300.

Allele frequency attached by ClinVar (database versions not stated): gnomAD 0.00273 and 0.00302; 1000 Genomes Project 30x 0.00297; 1000 Genomes Project 0.00300; TOPMed 0.00317.

Submission:

Illumina Laboratory Services, Illumina
Classification: Likely benign for Congenital hyperammonemia, type I. Last evaluated: 2018-01-13. Review status: criteria provided, single submitter. Criteria: ICSL Variant Classification Criteria 13 December 2019. Collection method: clinical testing. Allele origin: germline.
Comment: This variant was observed in the ICSL laboratory as part of a predisposition screen in an ostensibly healthy population. It had not been previously curated by ICSL or reported in the Human Gene Mutation Database (HGMD: prior to June 1st, 2018), and was therefore a candidate for classification through an automated scoring system. Utilizing variant allele frequency, disease prevalence and penetrance estimates, and inheritance mode, an automated score was calculated to assess if this variant is too frequent to cause the disease. Based on the score and internal cut-off values, a variant classified as likely benign is not then subjected to further curation. The score for this variant resulted in a classification of likely benign for this disease.

NM_001875.5(CPS1):c.*849A>G

Gene: CPS1 (carbamoyl-phosphate synthase 1; plus strand). Cytogenetic location: 2q34.
Variant type: single nucleotide variant.
Coding change: c.*849A>G on transcript NM_001875.5 (MANE Select); 849 bases downstream of the stop codon, A replaced by G.
Molecular consequence: 3 prime UTR variant. On other transcripts: non-coding transcript variant (2).
Genome position (GRCh38, 1-based): chr2:210,678,834, A>G. VCF-style: chr2-210678834-A-G. GRCh37 (hg19) VCF-style: chr2-211543558-A-G.
Other names: c.*849A>G (LRG_336t1, NM_001122633.3, NM_001369256.1 and 1 more transcripts).
Identifiers: ClinVar variation 334050 (VCV000334050.5), dbSNP rs150782174, ClinGen allele CA10614082.